The following is an entry in ClinVar:

ClinVar aggregate classification (germline): Uncertain significance. Review status: criteria provided, multiple submitters, no conflicts (2 of 4 stars). 2 submissions from 2 submitters: Uncertain significance (2). Last evaluated 2026-04-01.

Conditions:
Kabuki syndrome. Also called: Kabuki make-up syndrome; NIIKAWA-KUROKI SYNDROME. Identifiers: Orphanet 2322, MedGen C0796004, MONDO:0016512.
KMT2D-related disorder. Also called: KMT2D-Related Disorders.

Submissions (2):

PreventionGenetics, part of Exact Sciences
Classification: Uncertain significance for KMT2D-related condition. Last evaluated: 2026-04-01. Review status: criteria provided, single submitter. Criteria: ACMG Guidelines, 2015. Collection method: clinical testing. Allele origin: germline.
Comment: The KMT2D c.2191G>A variant is predicted to result in the amino acid substitution p.Glu731Lys. To our knowledge, this variant has not been reported in the literature or in a large population database (gnomAD), indicating this variant is rare. At this time, the clinical significance of this variant is uncertain due to the absence of conclusive functional and genetic evidence.

Labcorp Genetics (formerly Invitae), Labcorp
Classification: Uncertain significance for Kabuki syndrome. Last evaluated: 2024-06-30. Review status: criteria provided, single submitter. Criteria: Invitae Variant Classification Sherloc (09022015). Collection method: clinical testing. Allele origin: germline.
Comment: This sequence change replaces glutamic acid, which is acidic and polar, with lysine, which is basic and polar, at codon 731 of the KMT2D protein (p.Glu731Lys). This variant is not present in population databases (gnomAD no frequency). This variant has not been reported in the literature in individuals affected with KMT2D-related conditions. ClinVar contains an entry for this variant (Variation ID: 2632521). Advanced modeling of protein sequence and biophysical properties (such as structural, functional, and spatial information, amino acid conservation, physicochemical variation, residue mobility, and thermodynamic stability) performed at Invitae indicates that this missense variant is not expected to disrupt KMT2D protein function with a negative predictive value of 95%. In summary, the available evidence is currently insufficient to determine the role of this variant in disease. Therefore, it has been classified as a Variant of Uncertain Significance.

NM_003482.4(KMT2D):c.2191G>A (p.Glu731Lys)

Gene: KMT2D (lysine methyltransferase 2D; minus strand). Cytogenetic location: 12q13.12.
Variant type: single nucleotide variant.
Coding change: c.2191G>A on transcript NM_003482.4 (MANE Select); coding-DNA position 2191, G replaced by A.
Protein change: p.Glu731Lys; replaces glutamic acid 731 with lysine.
Molecular consequence: missense variant.
Genome position (GRCh38, 1-based): chr12:49,051,492, C>T on the plus strand (G>A on the coding strand, the complement: KMT2D is on the minus strand). VCF-style: chr12-49051492-C-T. GRCh37 (hg19) VCF-style: chr12-49445275-C-T.
Other names: short protein forms E731K.
Identifiers: ClinVar variation 2632521 (VCV002632521.4), dbSNP rs2120670895, ClinGen allele CA384667784.